The following is an entry in ClinVar:

NM_000218.3(KCNQ1):c.1514+5789T>C

Genes: KCNQ1 (potassium voltage-gated channel subfamily Q member 1; plus strand), KCNQ1OT1 (KCNQ1 opposite strand/antisense transcript 1; minus strand). Cytogenetic location: 11p15.5.
Variant type: single nucleotide variant.
Coding change: c.1514+5789T>C on transcript NM_000218.3 (MANE Select); 5789 bases into the intron after coding-DNA position 1514, T replaced by C.
Molecular consequence: intron variant. On other transcripts: non-coding transcript variant (1).
Genome position (GRCh38, 1-based): chr11:2,667,870, T>C. VCF-style: chr11-2667870-T-C. GRCh37 (hg19) VCF-style: chr11-2689100-T-C.
Other names: c.1244+5789T>C (NM_001406837.1); c.1418+5789T>C (NM_001406836.1); c.974+5789T>C (NM_001406838.1); c.1133+5789T>C (NM_181798.2).
Identifiers: ClinVar variation 3037610 (VCV003037610.2), dbSNP rs12418076, ClinGen allele CA216176176.

ClinVar aggregate classification (germline): Benign (0 of 4 stars; one submission).

Conditions:
KCNQ1-related disorder. Also called: KCNQ1-related condition; KCNQ1-related disorders. Identifiers: MedGen CN239322.

Allele frequency attached by ClinVar (database versions not stated): gnomAD exomes 0.07585; 1000 Genomes Project 30x 0.07605; 1000 Genomes Project 0.07288; gnomAD 0.08729; TOPMed 0.09242.
gnomAD v4.1: 32,390 of 398,562 alleles (8.1%); highest among the groups gnomAD compares: Middle Eastern, 12%; 1,530 homozygotes.

Submission:

PreventionGenetics, part of Exact Sciences
Classification: Benign for KCNQ1-related condition. Last evaluated: 2019-09-18. Review status: no assertion criteria provided. Collection method: clinical testing. Allele origin: germline.
Comment: This variant is classified as benign based on ACMG/AMP sequence variant interpretation guidelines (Richards et al. 2015 PMID: 25741868, with internal and published modifications).